The following is an entry in ClinVar:

ClinVar aggregate classification (germline): Uncertain significance (1 of 4 stars; one submission).

Conditions:
Hereditary pancreatitis (PCTT). Also called: Hereditary chronic pancreatitis; PRSS1-Related Hereditary Pancreatitis. Identifiers: Orphanet 676, MedGen C0238339, MONDO:0008185, OMIM 167800.

Submission:

Ambry Genetics
Classification: Uncertain significance for Hereditary pancreatitis. Last evaluated: 2023-01-03. Review status: criteria provided, single submitter. Criteria: Ambry Variant Classification Scheme 2023. Collection method: clinical testing. Allele origin: germline.
Comment: The p.P59R variant (also known as c.176C>G), located in coding exon 3 of the CPA1 gene, results from a C to G substitution at nucleotide position 176. The proline at codon 59 is replaced by arginine, an amino acid with dissimilar properties. This amino acid position is conserved. In addition, this alteration is predicted to be tolerated by in silico analysis. Since supporting evidence is limited at this time, the clinical significance of this alteration remains unclear.

NM_001868.4(CPA1):c.176C>G (p.Pro59Arg)

Gene: CPA1 (carboxypeptidase A1; plus strand). Cytogenetic location: 7q32.2.
Variant type: single nucleotide variant.
Coding change: c.176C>G on transcript NM_001868.4 (MANE Select); coding-DNA position 176, C replaced by G.
Protein change: p.Pro59Arg; replaces proline 59 with arginine.
Molecular consequence: missense variant.
Genome position (GRCh38, 1-based): chr7:130,381,658, C>G. VCF-style: chr7-130381658-C-G. GRCh37 (hg19) VCF-style: chr7-130021499-C-G.
Other names: short protein forms P59R.
Identifiers: ClinVar variation 2448268 (VCV002448268.2), dbSNP rs2536005076, ClinGen allele CA369279634.
Genomic context (GRCh38, chr7:130,381,658, plus strand): 5'-GCTGTGACCGTGCCGGCTCTTGTCCTCCCCAGCTGGACTTCTGGCGGGGGCCTGCCCACC[C>G]TGGCTCCCCCATCGACGTCCGAGTGCCCTTCCCCAGCATCCAGGCGGTCAAGATCTTTCT-3'
Protein context (NP_001859.1, residues 49-69): QLDFWRGPAH[Pro59Arg]GSPIDVRVPF